The following is an entry in ClinVar:

NM_001278293.3(ARL6):c.*470G>A

Gene: ARL6 (ARF like GTPase 6; plus strand). Cytogenetic location: 3q11.2.
Variant type: single nucleotide variant.
Coding change: c.*470G>A on transcript NM_001278293.3 (MANE Select); 470 bases downstream of the stop codon, G replaced by A.
Molecular consequence: 3 prime UTR variant. On other transcripts: non-coding transcript variant (3).
Genome position (GRCh38, 1-based): chr3:97,798,519, G>A. VCF-style: chr3-97798519-G-A. GRCh37 (hg19) VCF-style: chr3-97517363-G-A.
Other names: c.*462G>A (NM_001323513.2); c.*495G>A (NM_001323514.2); c.*470G>A (NM_032146.5, NM_177976.3).
Identifiers: ClinVar variation 346948 (VCV000346948.5), dbSNP rs184213166, ClinGen allele CA10616805.
Genomic context (GRCh38, chr3:97,798,519, plus strand): 5'-AAGGGACCATGGGTAATTAATATATATTCAATTTTTACTATGTGTCACTGTCAATAAAAT[G>A]TAAAATATAATGTGCCAACTAGTGCGCTTTGTTTATGCTGAAAAGAATAATGCTCTGTTA-3'

ClinVar aggregate classification (germline): Conflicting classifications of pathogenicity. Review status: criteria provided, conflicting classifications (1 of 4 stars). 2 submissions from 1 submitter: Uncertain significance (1); Likely benign (1). Last evaluated 2018-01-13.

Conditions:
Retinitis pigmentosa (RP). Identifiers: Orphanet 791, MedGen C0035334, MeSH D012174, MONDO:0019200, OMIM 268000. Inheritance: Autosomal dominant, autosomal recessive and X linked inheritance.
Bardet-Biedl syndrome 3 (BBS3). Identifiers: Orphanet 110, MedGen C1859564, MONDO:0010832, OMIM 600151.

Allele frequency attached by ClinVar (database versions not stated): gnomAD 0.00060 and 0.00067; 1000 Genomes Project 30x 0.00078; TOPMed 0.00079; 1000 Genomes Project 0.00080; gnomAD exomes 0.00146.

Submissions (2):

Illumina Laboratory Services, Illumina
Classification: Uncertain significance for Retinitis pigmentosa. Last evaluated: 2018-01-13. Review status: criteria provided, single submitter. Criteria: ICSL Variant Classification Criteria 13 December 2019. Collection method: clinical testing. Allele origin: germline.

Illumina Laboratory Services, Illumina
Classification: Likely benign for Bardet-Biedl syndrome 3. Last evaluated: 2018-01-13. Review status: criteria provided, single submitter. Criteria: ICSL Variant Classification Criteria 13 December 2019. Collection method: clinical testing. Allele origin: germline.
Comment: This variant was observed in the ICSL laboratory as part of a predisposition screen in an ostensibly healthy population. It had not been previously curated by ICSL or reported in the Human Gene Mutation Database (HGMD: prior to June 1st, 2018), and was therefore a candidate for classification through an automated scoring system. Utilizing variant allele frequency, disease prevalence and penetrance estimates, and inheritance mode, an automated score was calculated to assess if this variant is too frequent to cause the disease. Based on the score and internal cut-off values, a variant classified as likely benign is not then subjected to further curation. The score for this variant resulted in a classification of likely benign for this disease.